The following is an entry in ClinVar:

ClinVar aggregate classification (germline): Benign (1 of 4 stars; one submission).

Submission:

ISCA site 4
Classification: Benign. Last evaluated: 2011-08-12. Review status: criteria provided, single submitter. Criteria: Kaminsky et al. (Genet Med. 2011). Collection method: clinical testing. Allele origin: unknown. Affected: yes. Observed: 20 variant alleles. Clinical features observed: Pulmonary hypoplasia (HP:0002089), Autism (HP:0000717), Developmental delay AND/OR other significant developmental or morphological phenotypes, Abnormality of metabolism/homeostasis (HP:0001939), Delayed speech and language development (HP:0002116), Global developmental delay (HP:0001263), Intellectual disability (HP:0001249), Conductive hearing impairment (HP:0000405), Short stature (HP:0004322), Failure to thrive (HP:0001508), Seizure (HP:0001250), Hyperactivity (HP:0000752), and 2 more.
Comment: Copy number variation identified through the course of routine clinical cytogenomic testing in postnatal populations. Clinical assertions have been curated as described in Kaminsky et al. 2011.

GRCh38/hg38 2q37.3(chr2:241988449-242065208)x1

Genes: LINC01237 (long intergenic non-protein coding RNA 1237; plus strand), LINC01880 (long intergenic non-protein coding RNA 1880; minus strand), LOC122889016 (Sharpr-MPRA regulatory region 9157; plus strand), LOC285097 (uncharacterized FLJ38379; plus strand). Cytogenetic location: 2q37.3.
Variant type: copy number loss.
Change: copy number 1 (one copy instead of two) of chr2:241,988,449-242,065,208 (76.8 kb, GRCh38 coordinates, 1-based), cytogenetic band 2q37.3.
Identifiers: ClinVar variation 161026 (VCV000161026.1).